The following is an entry in ClinVar:

ClinVar aggregate classification (germline): Uncertain significance (1 of 4 stars; one submission).

Submission:

GeneDx
Classification: Uncertain significance. Last evaluated: 2024-01-03. Review status: criteria provided, single submitter. Criteria: GeneDx Variant Classification Process June 2021. Collection method: clinical testing. Allele origin: germline. Affected: yes.
Comment: Not observed at significant frequency in large population cohorts (gnomAD); Has not been previously published as pathogenic or benign to our knowledge; In silico analysis is inconclusive as to whether the variant alters gene splicing. In the absence of RNA/functional studies, the actual effect of this sequence change is unknown.

NM_004168.4(SDHA):c.1552-3C>A

Gene: SDHA (succinate dehydrogenase complex flavoprotein subunit A; plus strand). Cytogenetic location: 5p15.33.
Variant type: single nucleotide variant.
Coding change: c.1552-3C>A on transcript NM_004168.4 (MANE Select); 3 bases into the intron before coding-DNA position 1552, C replaced by A.
Molecular consequence: intron variant.
Genome position (GRCh38, 1-based): chr5:250,989, C>A. VCF-style: chr5-250989-C-A. GRCh37 (hg19) VCF-style: chr5-251104-C-A.
Other names: c.1552-3404C>A (NM_001330758.2); c.1408-3C>A (NM_001294332.2).
Identifiers: ClinVar variation 3367475 (VCV003367475.1).
Genomic context (GRCh38, chr5:250,989, plus strand): 5'-AGCAGTTCTTGGTATGGCTGCTTCTATGGATTAAAAGTTTACAAATAATATTTTGTGCCA[C>A]AGTCAATGCAAAATCATGCTGCCGTGTTCCGTGTGGGAAGCGTGTTGCAAGAAGGTTGTG-3'